The following is an entry in ClinVar:

ClinVar aggregate classification (germline): Uncertain significance (1 of 4 stars; one submission).

Allele frequency attached by ClinVar (database versions not stated): ExAC 0.00001.

Submission:

Labcorp Genetics (formerly Invitae), Labcorp
Classification: Uncertain significance. Last evaluated: 2021-02-24. Review status: criteria provided, single submitter. Criteria: Invitae Variant Classification Sherloc (09022015). Collection method: clinical testing. Allele origin: germline.
Comment: In summary, the available evidence is currently insufficient to determine the role of this variant in disease. Therefore, it has been classified as a Variant of Uncertain Significance. Algorithms developed to predict the effect of missense changes on protein structure and function (SIFT, PolyPhen-2, Align-GVGD) all suggest that this variant is likely to be disruptive, but these predictions have not been confirmed by published functional studies and their clinical significance is uncertain. This sequence change replaces histidine with arginine at codon 276 of the NCKAP1 protein (p.His276Arg). The histidine residue is highly conserved and there is a small physicochemical difference between histidine and arginine. This variant is present in population databases (rs760956582, ExAC 0.002%). This variant has not been reported in the literature in individuals with NCKAP1-related conditions.

NM_013436.5(NCKAP1):c.809A>G (p.His270Arg)

Gene: NCKAP1 (NCK associated protein 1; minus strand). Cytogenetic location: 2q32.1.
Variant type: single nucleotide variant.
Coding change: c.809A>G on transcript NM_013436.5 (MANE Select); coding-DNA position 809, A replaced by G.
Protein change: p.His270Arg; replaces histidine 270 with arginine.
Molecular consequence: missense variant.
Genome position (GRCh38, 1-based): chr2:182,989,168, T>C on the plus strand (A>G on the coding strand, the complement: NCKAP1 is on the minus strand). VCF-style: chr2-182989168-T-C. GRCh37 (hg19) VCF-style: chr2-183853896-T-C.
Other names: c.827A>G, p.His276Arg (NM_205842.3); short protein forms H270R, H276R.
Identifiers: ClinVar variation 1513234 (VCV001513234.6), dbSNP rs760956582, ClinGen allele CA2014766.